The following is an entry in ClinVar:

NM_001458.5(FLNC):c.4799T>C (p.Val1600Ala)

Gene: FLNC (filamin C; plus strand). Cytogenetic location: 7q32.1.
Variant type: single nucleotide variant.
Coding change: c.4799T>C on transcript NM_001458.5 (MANE Select); coding-DNA position 4799, T replaced by C.
Protein change: p.Val1600Ala; replaces valine 1600 with alanine.
Molecular consequence: missense variant.
Genome position (GRCh38, 1-based): chr7:128,848,854, T>C. VCF-style: chr7-128848854-T-C. GRCh37 (hg19) VCF-style: chr7-128488908-T-C.
Other names: c.4799T>C, p.Val1600Ala (NM_001127487.2); short protein forms V1600A.
Identifiers: ClinVar variation 4540196 (VCV004540196.1).

ClinVar aggregate classification (germline): Uncertain significance (1 of 4 stars; one submission).

Submission:

GeneDx
Classification: Uncertain significance. Last evaluated: 2025-06-24. Review status: criteria provided, single submitter. Criteria: GeneDx Variant Classification Process June 2021. Collection method: clinical testing. Allele origin: germline. Affected: yes.
Comment: Not observed at significant frequency in large population cohorts (gnomAD); In silico analysis supports that this missense variant has a deleterious effect on protein structure/function; Has not been previously published as pathogenic or benign to our knowledge